The following is an entry in ClinVar:

ClinVar aggregate classification (germline): Uncertain significance (1 of 4 stars; one submission).

Conditions:
Fanconi anemia (FA). Also called: Fanconi's anemia. Identifiers: Orphanet 84, MedGen C0015625, MeSH D005199, MONDO:0019391.

Submission:

Labcorp Genetics (formerly Invitae), Labcorp
Classification: Uncertain significance for Fanconi anemia. Last evaluated: 2022-06-01. Review status: criteria provided, single submitter. Criteria: Invitae Variant Classification Sherloc (09022015). Collection method: clinical testing. Allele origin: germline.
Comment: ClinVar contains an entry for this variant (Variation ID: 1365038). In summary, the available evidence is currently insufficient to determine the role of this variant in disease. Therefore, it has been classified as a Variant of Uncertain Significance. Algorithms developed to predict the effect of missense changes on protein structure and function (SIFT, PolyPhen-2, Align-GVGD) all suggest that this variant is likely to be tolerated. This variant has not been reported in the literature in individuals affected with FANCI-related conditions. This variant is not present in population databases (gnomAD no frequency). This sequence change replaces isoleucine, which is neutral and non-polar, with leucine, which is neutral and non-polar, at codon 456 of the FANCI protein (p.Ile456Leu).

NM_001113378.2(FANCI):c.1366A>C (p.Ile456Leu)

Gene: FANCI (FA complementation group I; plus strand). Cytogenetic location: 15q26.1.
Variant type: single nucleotide variant.
Coding change: c.1366A>C on transcript NM_001113378.2 (MANE Select); coding-DNA position 1366, A replaced by C.
Protein change: p.Ile456Leu; replaces isoleucine 456 with leucine.
Molecular consequence: missense variant.
Genome position (GRCh38, 1-based): chr15:89,278,759, A>C. VCF-style: chr15-89278759-A-C. GRCh37 (hg19) VCF-style: chr15-89821990-A-C.
Other names: c.1087A>C, p.Ile363Leu (NM_001376910.1); c.1366A>C, p.Ile456Leu (NM_001376911.1, NM_018193.3); short protein forms I363L, I456L.
Identifiers: ClinVar variation 1365038 (VCV001365038.6), dbSNP rs757536456, ClinGen allele CA393743337.
Genomic context (GRCh38, chr15:89,278,759, plus strand): 5'-ATCAGACAAGAAATTTTGGAGCAGGTCCTCAACAGGGTTGTTACCAGAGCATCTTCTCCC[A>C]TCAGTCATTTCTTAGGTATTCAACTTTGAAAGAATGAATAAAGTTTTTAGAAATATTTTC-3'
Protein context (NP_001106849.1, residues 446-466): NRVVTRASSP[Ile456Leu]SHFLDLLSNI